The following is an entry in ClinVar:

NM_006231.4(POLE):c.3550A>C (p.Ser1184Arg)

Gene: POLE (DNA polymerase epsilon, catalytic subunit; minus strand). Cytogenetic location: 12q24.33.
Variant type: single nucleotide variant.
Coding change: c.3550A>C on transcript NM_006231.4 (MANE Select); coding-DNA position 3550, A replaced by C.
Protein change: p.Ser1184Arg; replaces serine 1184 with arginine.
Molecular consequence: missense variant.
Genome position (GRCh38, 1-based): chr12:132,657,168, T>G on the plus strand (A>C on the coding strand, the complement: POLE is on the minus strand). VCF-style: chr12-132657168-T-G. GRCh37 (hg19) VCF-style: chr12-133233754-T-G.
Other names: short protein forms S1184R.
Identifiers: ClinVar variation 3422228 (VCV003422228.1).

ClinVar aggregate classification (germline): Uncertain significance (1 of 4 stars; one submission).

Conditions:
Hereditary cancer-predisposing syndrome. Also called: Neoplastic Syndromes, Hereditary; Tumor predisposition; Hereditary Cancer Syndrome; Hereditary neoplastic syndrome. Identifiers: Orphanet 140162, MedGen C0027672, MeSH D009386, MONDO:0015356.

Submission:

Ambry Genetics
Classification: Uncertain significance for Hereditary cancer-predisposing syndrome. Last evaluated: 2024-11-25. Review status: criteria provided, single submitter. Criteria: Ambry Variant Classification Scheme 2023. Collection method: clinical testing. Allele origin: germline.
Comment: The p.S1184R variant (also known as c.3550A>C), located in coding exon 29 of the POLE gene, results from an A to C substitution at nucleotide position 3550. The serine at codon 1184 is replaced by arginine, an amino acid with dissimilar properties. This amino acid position is conserved. In addition, this alteration is predicted to be tolerated by in silico analysis. Based on the available evidence, the clinical significance of this variant remains unclear.